The following is an entry in ClinVar:

ClinVar aggregate classification (germline): Uncertain significance (1 of 4 stars; one submission).

Conditions:
Deficiency of hyaluronoglucosaminidase (MPS9). Also called: Mucopolysaccharidosis type 9; HYALURONIDASE DEFICIENCY; MPS IX. Identifiers: Orphanet 67041, MedGen C1291490, MONDO:0011093, OMIM 601492.

Submission:

Labcorp Genetics (formerly Invitae), Labcorp
Classification: Uncertain significance for Deficiency of hyaluronoglucosaminidase. Last evaluated: 2021-12-03. Review status: criteria provided, single submitter. Criteria: Invitae Variant Classification Sherloc (09022015). Collection method: clinical testing. Allele origin: germline.
Comment: This sequence change replaces leucine, which is neutral and non-polar, with isoleucine, which is neutral and non-polar, at codon 320 of the HYAL1 protein (p.Leu320Ile). This variant is not present in population databases (gnomAD no frequency). This variant has not been reported in the literature in individuals affected with HYAL1-related conditions. Algorithms developed to predict the effect of missense changes on protein structure and function are either unavailable or do not agree on the potential impact of this missense change (SIFT: "Tolerated"; PolyPhen-2: "Possibly Damaging"; Align-GVGD: "Class C0"). In summary, the available evidence is currently insufficient to determine the role of this variant in disease. Therefore, it has been classified as a Variant of Uncertain Significance.

NM_033159.4(HYAL1):c.958C>A (p.Leu320Ile)

Gene: HYAL1 (hyaluronidase 1; minus strand). Cytogenetic location: 3p21.31.
Variant type: single nucleotide variant.
Coding change: c.958C>A on transcript NM_033159.4 (MANE Select); coding-DNA position 958, C replaced by A.
Protein change: p.Leu320Ile; replaces leucine 320 with isoleucine.
Molecular consequence: missense variant. On other transcripts: non-coding transcript variant (1), intron variant (1).
Genome position (GRCh38, 1-based): chr3:50,301,020, G>T on the plus strand (C>A on the coding strand, the complement: HYAL1 is on the minus strand). VCF-style: chr3-50301020-G-T. GRCh37 (hg19) VCF-style: chr3-50338451-G-T.
Other names: c.958C>A, p.Leu320Ile (NM_153281.2); c.412C>A, p.Leu138Ile (NM_153283.3); c.181C>A, p.Leu61Ile (NM_153285.3); c.901-220C>A (NM_153282.3); short protein forms L61I, L138I, L320I.
Identifiers: ClinVar variation 1360063 (VCV001360063.6), dbSNP rs1553712742, ClinGen allele CA352890298.
Genomic context (GRCh38, chr3:50,301,020, plus strand): 5'-CCCACCCTCATGCCAGGCCTAAGCTCACCTTGGTTCTTGTATTTTCCCAGCTCACCCAGA[G>T]CACCACTCCAGCTGCCCCCTGGGCCGCACTCTCCCCCAGGCTGTGCTCCAGCTCATCCTG-3'
Protein context (NP_149349.2, residues 310-330): SAAQGAAGVV[Leu320Ile]WVSWENTRTK